The following is an entry in ClinVar:

NM_000051.4(ATM):c.3341A>G (p.Lys1114Arg)

Gene: ATM (ATM serine/threonine kinase; plus strand). Cytogenetic location: 11q22.3.
Variant type: single nucleotide variant.
Coding change: c.3341A>G on transcript NM_000051.4 (MANE Select); coding-DNA position 3341, A replaced by G.
Protein change: p.Lys1114Arg; replaces lysine 1114 with arginine.
Molecular consequence: missense variant.
Genome position (GRCh38, 1-based): chr11:108,279,547, A>G. VCF-style: chr11-108279547-A-G. GRCh37 (hg19) VCF-style: chr11-108150274-A-G.
Other names: c.3341A>G, p.Lys1114Arg (NM_001351834.2); short protein forms K1114R.
Identifiers: ClinVar variation 231546 (VCV000231546.22), dbSNP rs777705500, ClinGen allele CA10579099.
Genomic context (GRCh38, chr11:108,279,547, plus strand): 5'-TAAGATTGTTCCAGGACACGAAGGGAGATTCTTCCAGGTTACTGAAAGCACTTCCTTTGA[A>G]GCTTCAGCAAACAGCTTTTGAAAATGCATACTTGAAAGCTCAGGAAGGAATGAGAGAAAT-3'
Protein context (NP_000042.3, residues 1104-1124): SSRLLKALPL[Lys1114Arg]LQQTAFENAY

ClinVar aggregate classification (germline): Conflicting classifications of pathogenicity. Review status: criteria provided, conflicting classifications (1 of 4 stars). 4 submissions from 4 submitters: Uncertain significance (3); Likely benign (1). Last evaluated 2026-01-16.

Conditions:
Hereditary cancer-predisposing syndrome. Also called: Hereditary Cancer Syndrome; Neoplastic Syndromes, Hereditary; Tumor predisposition; Hereditary neoplastic syndrome. Identifiers: Orphanet 140162, MedGen C0027672, MeSH D009386, MONDO:0015356.
Ataxia-telangiectasia syndrome (AT). Also called: Ataxia telangiectasia (A-T); Ataxia-telangiectasia, complementation group E; LOUIS-BAR SYNDROME; Cerebello-oculocutaneous telangiectasia; Immunodeficiency with ataxia telangiectasia; Ataxia-telangiectasia, complementation group D. Identifiers: Orphanet 100, MedGen C0004135, MONDO:0008840, OMIM 208900.

Allele frequency attached by ClinVar (database versions not stated): TOPMed 0.00001.
gnomAD v4.1: 18 of 1,613,870 alleles (0.0011%); highest among the groups gnomAD compares: Non-Finnish European, 0.0014%; no homozygotes.

Submissions (4):

Labcorp Genetics (formerly Invitae), Labcorp
Classification: Uncertain significance for Ataxia-telangiectasia syndrome. Last evaluated: 2026-01-16. Review status: criteria provided, single submitter. Criteria: Invitae Variant Classification Sherloc (09022015). Collection method: clinical testing. Allele origin: germline.
Comment: This sequence change replaces lysine, which is basic and polar, with arginine, which is basic and polar, at codon 1114 of the ATM protein (p.Lys1114Arg). This variant is not present in population databases (gnomAD no frequency). This missense change has been observed in individual(s) with breast cancer (PMID: 22420423). ClinVar contains an entry for this variant (Variation ID: 231546). Invitae Evidence Modeling of protein sequence and biophysical properties (such as structural, functional, and spatial information, amino acid conservation, physicochemical variation, residue mobility, and thermodynamic stability) indicates that this missense variant is not expected to disrupt ATM protein function with a negative predictive value of 95%. In summary, the available evidence is currently insufficient to determine the role of this variant in disease. Therefore, it has been classified as a Variant of Uncertain Significance.

GeneDx
Classification: Uncertain significance. Last evaluated: 2024-10-28. Review status: criteria provided, single submitter. Criteria: GeneDx Variant Classification Process June 2021. Collection method: clinical testing. Allele origin: germline. Affected: yes.
Comment: Not observed at significant frequency in large population cohorts (gnomAD); In silico analysis indicates that this missense variant does not alter protein structure/function; Observed in an individual with breast cancer (PMID: 22420423); Published functional studies demonstrate slightly reduced ATM ubiquitination compared to wildtype (PMID: 27958289); This variant is associated with the following publications: (PMID: 19781682, 22420423, 27958289)

Color Diagnostics, LLC DBA Color Health
Classification: Uncertain significance for Hereditary cancer-predisposing syndrome. Last evaluated: 2022-12-02. Review status: criteria provided, single submitter. Criteria: ACMG Guidelines, 2015. Collection method: clinical testing. Allele origin: germline.
Comment: This missense variant replaces lysine with arginine at codon 1114 of the ATM protein. Computational prediction suggests that this variant may not impact protein structure and function (internally defined REVEL score threshold <= 0.5, PMID: 27666373). To our knowledge, functional studies have not been reported for this variant. This variant has been reported in an individual affected with breast cancer (PMID: 22420423). This variant has not been identified in the general population by the Genome Aggregation Database (gnomAD). The available evidence is insufficient to determine the role of this variant in disease conclusively. Therefore, this variant is classified as a Variant of Uncertain Significance.

Ambry Genetics
Classification: Likely benign for Hereditary cancer-predisposing syndrome. Last evaluated: 2019-03-24. Review status: criteria provided, single submitter. Criteria: Ambry Variant Classification Scheme 2023. Collection method: clinical testing. Allele origin: germline.

Literature cited by the submitters: PubMed 22420423 (cited by 3 submitters).